The following is an entry in ClinVar:

NM_001374353.1(GLI2):c.3644G>A (p.Ser1215Asn)

Gene: GLI2 (GLI family zinc finger 2; plus strand). Cytogenetic location: 2q14.2.
Variant type: single nucleotide variant.
Coding change: c.3644G>A on transcript NM_001374353.1 (MANE Select); coding-DNA position 3644, G replaced by A.
Protein change: p.Ser1215Asn; replaces serine 1215 with asparagine.
Molecular consequence: missense variant.
Genome position (GRCh38, 1-based): chr2:120,989,609, G>A. VCF-style: chr2-120989609-G-A. GRCh37 (hg19) VCF-style: chr2-121747185-G-A.
Other names: c.3695G>A, p.Ser1232Asn (NM_001371271.1, NM_005270.5); c.3269G>A, p.Ser1090Asn (NM_001374354.1); short protein forms S1215N, S1090N, S1232N.
Identifiers: ClinVar variation 1950909 (VCV001950909.5), dbSNP rs781353780, ClinGen allele CA1852463.

ClinVar aggregate classification (germline): Uncertain significance (1 of 4 stars; one submission).

Conditions:
Postaxial polydactyly-anterior pituitary anomalies-facial dysmorphism syndrome. Also called: Culler-Jones syndrome. Identifiers: Orphanet 420584, MedGen C4014479, MONDO:0014369, OMIM 615849.
Holoprosencephaly 9 (HPE9). Also called: HOLOPROSENCEPHALY WITH MICROPHTHALMIA AND FIRST BRANCHIAL ARCH ANOMALIES; PITUITARY ANOMALIES WITH HOLOPROSENCEPHALY-LIKE FEATURES. Identifiers: Orphanet 2162, MedGen C1835819, MONDO:0012563, OMIM 610829.

Allele frequency attached by ClinVar (database versions not stated): gnomAD exomes below 0.00001; ExAC 0.00001.
gnomAD v4.1: 2 of 1,612,758 alleles (0.00012%); highest among the groups gnomAD compares: East Asian, 0.0045%; no homozygotes.

Submission:

Labcorp Genetics (formerly Invitae), Labcorp
Classification: Uncertain significance for Postaxial polydactyly-anterior pituitary anomalies-facial dysmorphism syndrome; Holoprosencephaly 9. Last evaluated: 2022-08-05. Review status: criteria provided, single submitter. Criteria: Invitae Variant Classification Sherloc (09022015). Collection method: clinical testing. Allele origin: germline.
Comment: This sequence change replaces serine, which is neutral and polar, with asparagine, which is neutral and polar, at codon 1232 of the GLI2 protein (p.Ser1232Asn). This variant is present in population databases (rs781353780, gnomAD 0.006%). This variant has not been reported in the literature in individuals affected with GLI2-related conditions. Algorithms developed to predict the effect of missense changes on protein structure and function output the following: SIFT: "Tolerated"; PolyPhen-2: "Benign"; Align-GVGD: "Class C0". The asparagine amino acid residue is found in multiple mammalian species, which suggests that this missense change does not adversely affect protein function. In summary, the available evidence is currently insufficient to determine the role of this variant in disease. Therefore, it has been classified as a Variant of Uncertain Significance.